The following is an entry in ClinVar:

NM_000069.3(CACNA1S):c.1156C>T (p.Leu386=)

Gene: CACNA1S (calcium voltage-gated channel subunit alpha1 S; minus strand). Cytogenetic location: 1q32.1.
Variant type: single nucleotide variant.
Coding change: c.1156C>T on transcript NM_000069.3 (MANE Select); coding-DNA position 1156, C replaced by T.
Protein change: p.Leu386=; no amino-acid change (leucine 386 retained).
Molecular consequence: synonymous variant.
Genome position (GRCh38, 1-based): chr1:201,085,026, G>A on the plus strand (C>T on the coding strand, the complement: CACNA1S is on the minus strand). VCF-style: chr1-201085026-G-A. GRCh37 (hg19) VCF-style: chr1-201054154-G-A.
Identifiers: ClinVar variation 744772 (VCV000744772.9), dbSNP rs575134797, ClinGen allele CA078012.

ClinVar aggregate classification (germline): Likely benign. Review status: criteria provided, single submitter (1 of 4 stars). 2 submissions from 2 submitters: Likely benign (1). 1 of the submissions does not count toward it. Last evaluated 2025-11-18.

Conditions:
CACNA1S-related disorder. Also called: CACNA1S-related condition.
Malignant hyperthermia, susceptibility to, 5 (MHS5). Also called: CACNA1S-Related Malignant Hyperthermia Susceptibility. Identifiers: Orphanet 423, MedGen C1866077, MONDO:0011163, OMIM 601887.
Hypokalemic periodic paralysis, type 1. Also called: Hypokalemic Periodic Paralysis Type 1 (AD); HypoPP. Identifiers: Orphanet 681, MedGen C3714580, MONDO:0042979, OMIM 170400.

Allele frequency attached by ClinVar (database versions not stated): gnomAD exomes below 0.00001; ExAC 0.00001; gnomAD 0.00001; TOPMed 0.00001; 1000 Genomes Project 30x 0.00016; 1000 Genomes Project 0.00020.
gnomAD v4.1: 3 of 1,610,072 alleles (0.00019%); highest among the groups gnomAD compares: African/African-American, 0.0027%; no homozygotes.

Submissions (2):

Labcorp Genetics (formerly Invitae), Labcorp
Classification: Likely benign for Hypokalemic periodic paralysis, type 1; Malignant hyperthermia, susceptibility to, 5. Last evaluated: 2025-11-18. Review status: criteria provided, single submitter. Criteria: Invitae Variant Classification Sherloc (09022015). Collection method: clinical testing. Allele origin: germline.

PreventionGenetics, part of Exact Sciences
Classification: Likely benign for CACNA1S-related condition. Last evaluated: 2021-11-12. Review status: no assertion criteria provided. Collection method: clinical testing. Allele origin: germline. Not counted in ClinVar's aggregate classification.
Comment: This variant is classified as likely benign based on ACMG/AMP sequence variant interpretation guidelines (Richards et al. 2015 PMID: 25741868, with internal and published modifications).